The following is an entry in ClinVar:

ClinVar aggregate classification (germline): Uncertain significance (1 of 4 stars; one submission).

Allele frequency attached by ClinVar (database versions not stated): gnomAD exomes below 0.00001.
gnomAD v4.1: 4 of 1,606,686 alleles (0.00025%); highest among the groups gnomAD compares: Middle Eastern, 0.066%; no homozygotes.

Submission:

Labcorp Genetics (formerly Invitae), Labcorp
Classification: Uncertain significance. Last evaluated: 2022-07-31. Review status: criteria provided, single submitter. Criteria: Invitae Variant Classification Sherloc (09022015). Collection method: clinical testing. Allele origin: germline.
Comment: This sequence change replaces arginine, which is basic and polar, with glutamine, which is neutral and polar, at codon 1005 of the SLC12A6 protein (p.Arg1005Gln). This variant is not present in population databases (gnomAD no frequency). This variant has not been reported in the literature in individuals affected with SLC12A6-related conditions. Advanced modeling of protein sequence and biophysical properties (such as structural, functional, and spatial information, amino acid conservation, physicochemical variation, residue mobility, and thermodynamic stability) performed at Invitae indicates that this missense variant is not expected to disrupt SLC12A6 protein function. In summary, the available evidence is currently insufficient to determine the role of this variant in disease. Therefore, it has been classified as a Variant of Uncertain Significance.

NM_001365088.1(SLC12A6):c.3014G>A (p.Arg1005Gln)

Gene: SLC12A6 (solute carrier family 12 member 6; minus strand). Cytogenetic location: 15q14.
Variant type: single nucleotide variant.
Coding change: c.3014G>A on transcript NM_001365088.1 (MANE Select); coding-DNA position 3014, G replaced by A.
Protein change: p.Arg1005Gln; replaces arginine 1005 with glutamine.
Molecular consequence: missense variant.
Genome position (GRCh38, 1-based): chr15:34,236,736, C>T on the plus strand (G>A on the coding strand, the complement: SLC12A6 is on the minus strand). VCF-style: chr15-34236736-C-T. GRCh37 (hg19) VCF-style: chr15-34528937-C-T.
Other names: c.2837G>A, p.Arg946Gln (NM_001042494.2, NM_001042495.2); c.2987G>A, p.Arg996Gln (NM_001042496.2); c.2969G>A, p.Arg990Gln (NM_001042497.2); c.2861G>A, p.Arg954Gln (NM_005135.2); c.3014G>A, p.Arg1005Gln (NM_133647.2); short protein forms R946Q, R954Q, R990Q, R1005Q, R996Q.
Identifiers: ClinVar variation 1942438 (VCV001942438.2), dbSNP rs1566799584, ClinGen allele CA391617915.